The following is an entry in ClinVar:

ClinVar aggregate classification (germline): Likely benign (1 of 4 stars; one submission).

Allele frequency attached by ClinVar (database versions not stated): 1000 Genomes Project 0.00120; 1000 Genomes Project 30x 0.00141; ExAC 0.00299; gnomAD 0.00330; ESP Exome Variant Server 0.00331; TOPMed 0.00353; gnomAD exomes 0.00460.

Submission:

CeGaT Center for Human Genetics Tuebingen
Classification: Likely benign. Last evaluated: 2025-01-01. Review status: criteria provided, single submitter. Criteria: CeGaT Center For Human Genetics Tuebingen Variant Classification Criteria Version 2. Collection method: clinical testing. Allele origin: germline. Affected: yes. Observed: 2 variant alleles.
Comment: PTGDR: BP4, BS2

NM_000953.3(PTGDR):c.758C>G (p.Ala253Gly)

Gene: PTGDR (prostaglandin D2 receptor; plus strand). Cytogenetic location: 14q22.1.
Variant type: single nucleotide variant.
Coding change: c.758C>G on transcript NM_000953.3 (MANE Select); coding-DNA position 758, C replaced by G.
Protein change: p.Ala253Gly; replaces alanine 253 with glycine.
Molecular consequence: missense variant.
Genome position (GRCh38, 1-based): chr14:52,268,572, C>G. VCF-style: chr14-52268572-C-G. GRCh37 (hg19) VCF-style: chr14-52735290-C-G.
Other names: c.758C>G, p.Ala253Gly (NM_001281469.2); short protein forms A253G.
Identifiers: ClinVar variation 3250544 (VCV003250544.18), dbSNP rs144706723.